The following is an entry in ClinVar:

NM_001378454.1(ALMS1):c.1403T>C (p.Val468Ala)

Gene: ALMS1 (ALMS1 centrosome and basal body associated protein; plus strand). Cytogenetic location: 2p13.1.
Variant type: single nucleotide variant.
Coding change: c.1403T>C on transcript NM_001378454.1 (MANE Select); coding-DNA position 1403, T replaced by C.
Protein change: p.Val468Ala; replaces valine 468 with alanine.
Molecular consequence: missense variant.
Genome position (GRCh38, 1-based): chr2:73,432,262, T>C. VCF-style: chr2-73432262-T-C. GRCh37 (hg19) VCF-style: chr2-73659390-T-C.
Other names: c.1406T>C, p.Val469Ala (NM_015120.4); short protein forms V468A, V469A.
Identifiers: ClinVar variation 2626192 (VCV002626192.2), dbSNP rs773569879, ClinGen allele CA1713144.
Genomic context (GRCh38, chr2:73,432,262, plus strand): 5'-CAAGAGAGTCGGAATATCACTCTTCAGATCTCAGAATGTTGAGGATGTCTCCTGACACTG[T>C]GCCAAAGGCTCCTAAACATTTAAAAGCAGGTACGTAGAAAAAGGAGATAGTAAATGTCCT-3'
Protein context (NP_001365383.1, residues 458-478): LRMLRMSPDT[Val468Ala]PKAPKHLKAG

ClinVar aggregate classification (germline): Uncertain significance (1 of 4 stars; one submission).

Conditions:
Cardiovascular phenotype. Identifiers: MedGen CN230736.

Allele frequency attached by ClinVar (database versions not stated): TOPMed below 0.00001; ExAC 0.00001; gnomAD 0.00001; gnomAD exomes 0.00001.
gnomAD v4.1: 12 of 1,613,038 alleles (0.00074%); highest among the groups gnomAD compares: South Asian, 0.012%; no homozygotes.

Submission:

Ambry Genetics
Classification: Uncertain significance for Cardiovascular phenotype. Last evaluated: 2023-08-01. Review status: criteria provided, single submitter. Criteria: Ambry Variant Classification Scheme 2023. Collection method: clinical testing. Allele origin: germline.
Comment: The p.V469A variant (also known as c.1406T>C), located in coding exon 7 of the ALMS1 gene, results from a T to C substitution at nucleotide position 1406. The valine at codon 469 is replaced by alanine, an amino acid with similar properties. This amino acid position is not well conserved in available vertebrate species. In addition, this alteration is predicted to be tolerated by in silico analysis. Since supporting evidence is limited at this time, the clinical significance of this alteration remains unclear.